The following is an entry in ClinVar:

NM_001135022.2(ELMOD3):c.407G>A (p.Arg136Gln)

Gene: ELMOD3 (ELMO domain containing 3; plus strand). Cytogenetic location: 2p11.2.
Variant type: single nucleotide variant.
Coding change: c.407G>A on transcript NM_001135022.2 (MANE Select); coding-DNA position 407, G replaced by A.
Protein change: p.Arg136Gln; replaces arginine 136 with glutamine.
Molecular consequence: missense variant. On other transcripts: non-coding transcript variant (3).
Genome position (GRCh38, 1-based): chr2:85,371,132, G>A. VCF-style: chr2-85371132-G-A. GRCh37 (hg19) VCF-style: chr2-85598255-G-A.
Other names: c.407G>A, p.Arg136Gln (NM_001135021.2, NM_001135023.2, NM_001329791.2 and 3 more transcripts); c.407G>A (NM_001135021.1); short protein forms R136Q.
Identifiers: ClinVar variation 4955780 (VCV004955780.2).
Genomic context (GRCh38, chr2:85,371,132, plus strand): 5'-AACTTCTTCCCCAGAAAAGAATCCAGCCAACTATTCGAAGGACTGGGCTCGCCGCCCTCC[G>A]ACACTACCTCTTCGGGCCTCCAAAGCTCCACCAGCGCCTTCGGGAAGAAAGGGACTTGGT-3'
Protein context (NP_001128494.1, residues 126-146): TIRRTGLAAL[Arg136Gln]HYLFGPPKLH

ClinVar aggregate classification (germline): Uncertain significance. Review status: criteria provided, multiple submitters, no conflicts (2 of 4 stars). 2 submissions from 2 submitters: Uncertain significance (2). Last evaluated 2026-08-31.

Conditions:
ELMOD3-related disorder. Also called: ELMOD3-related condition.

gnomAD v4.1: 56 of 1,614,224 alleles (0.0035%); highest among the groups gnomAD compares: Admixed American, 0.022%; no homozygotes.

Submissions (2):

PreventionGenetics, part of Exact Sciences
Classification: Uncertain significance for ELMOD3-related condition. Last evaluated: 2026-08-31. Review status: criteria provided, single submitter. Criteria: ACMG Guidelines, 2015. Collection method: clinical testing. Allele origin: germline.
Comment: The ELMOD3 c.407G>A variant is predicted to result in the amino acid substitution p.Arg136Gln. To our knowledge, this variant has not been reported in the literature. This variant is reported in 0.016% of alleles in individuals of African descent in gnomAD. At this time, the clinical significance of this variant is uncertain due to the absence of conclusive functional and genetic evidence.

Blueprint Genetics
Classification: Uncertain significance. Last evaluated: 2022-12-19. Review status: criteria provided, single submitter. Criteria: ACMG Guidelines, 2015. Collection method: clinical testing. Allele origin: germline.